The following is an entry in ClinVar:

NM_000391.4(TPP1):c.613A>G (p.Ile205Val)

Gene: TPP1 (tripeptidyl peptidase 1; minus strand). Cytogenetic location: 11p15.4.
Variant type: single nucleotide variant.
Coding change: c.613A>G on transcript NM_000391.4 (MANE Select); coding-DNA position 613, A replaced by G.
Protein change: p.Ile205Val; replaces isoleucine 205 with valine.
Molecular consequence: missense variant.
Genome position (GRCh38, 1-based): chr11:6,617,049, T>C on the plus strand (A>G on the coding strand, the complement: TPP1 is on the minus strand). VCF-style: chr11-6617049-T-C. GRCh37 (hg19) VCF-style: chr11-6638280-T-C.
Other names: short protein forms I205V.
Identifiers: ClinVar variation 2126476 (VCV002126476.4), dbSNP rs2493799389, ClinGen allele CA379475458.
Genomic context (GRCh38, chr11:6,617,049, plus strand): 5'-GGCTGTTATTGCTGGTGCCAGAGCCCACGTCTTGTGAGGTCAAGTTGTATCGCTTACGGA[T>C]CACAGAGGGGGTTACCCCCAGATGCAGGCCTACAGTCCCTGTCACCTGCGGCTCAGGACG-3'
Protein context (NP_000382.3, residues 195-215): GLHLGVTPSV[Ile205Val]RKRYNLTSQD

ClinVar aggregate classification (germline): Uncertain significance (1 of 4 stars; one submission).

Submission:

Labcorp Genetics (formerly Invitae), Labcorp
Classification: Uncertain significance. Last evaluated: 2022-04-15. Review status: criteria provided, single submitter. Criteria: Invitae Variant Classification Sherloc (09022015). Collection method: clinical testing. Allele origin: germline.
Comment: In summary, the available evidence is currently insufficient to determine the role of this variant in disease. Therefore, it has been classified as a Variant of Uncertain Significance. Advanced modeling of protein sequence and biophysical properties (such as structural, functional, and spatial information, amino acid conservation, physicochemical variation, residue mobility, and thermodynamic stability) performed at Invitae indicates that this missense variant is not expected to disrupt TPP1 protein function. This variant has not been reported in the literature in individuals affected with TPP1-related conditions. This variant is not present in population databases (gnomAD no frequency). This sequence change replaces isoleucine, which is neutral and non-polar, with valine, which is neutral and non-polar, at codon 205 of the TPP1 protein (p.Ile205Val).